The following is an entry in ClinVar:

ClinVar aggregate classification (germline): Uncertain significance. Review status: criteria provided, multiple submitters, no conflicts (2 of 4 stars). 3 submissions from 3 submitters: Uncertain significance (2). 1 of the submissions does not count toward it. Last evaluated 2026-06-30.

Conditions:
Epidermolysis bullosa dystrophica. Also called: Dystrophic epidermolysis bullosa, Hallopeau-Siemens type (formerly); Dystrophic epidermolysis bullosa. Identifiers: Orphanet 303, MedGen C0079294, MONDO:0006543.

Submissions (3):

Women's Health and Genetics/Laboratory Corporation of America, LabCorp
Classification: Uncertain significance. Last evaluated: 2026-06-30. Review status: criteria provided, single submitter. Criteria: LabCorp Variant Classification Summary - May 2015. Collection method: clinical testing. Allele origin: germline.

Labcorp Genetics (formerly Invitae), Labcorp
Classification: Uncertain significance. Last evaluated: 2022-07-28. Review status: criteria provided, single submitter. Criteria: Invitae Variant Classification Sherloc (09022015). Collection method: clinical testing. Allele origin: germline.
Comment: Variants that disrupt the consensus splice site are a relatively common cause of aberrant splicing (PMID: 17576681, 9536098). Algorithms developed to predict the effect of sequence changes on RNA splicing suggest that this variant is not likely to affect RNA splicing. This variant has not been reported in the literature in individuals affected with COL7A1-related conditions. This variant is not present in population databases (gnomAD no frequency). This sequence change falls in intron 39 of the COL7A1 gene. It does not directly change the encoded amino acid sequence of the COL7A1 protein. It affects a nucleotide within the consensus splice site. In summary, the available evidence is currently insufficient to determine the role of this variant in disease. Therefore, it has been classified as a Variant of Uncertain Significance.

Natera, Inc.
Classification: Uncertain significance for Dystrophic epidermolysis bullosa. Last evaluated: 2025-05-30. Review status: no assertion criteria provided. Collection method: clinical testing. Allele origin: germline. Not counted in ClinVar's aggregate classification.

Literature cited by the submitters: PubMed 17576681 (cited by Labcorp Genetics (formerly Invitae), Labcorp); PubMed 9536098 (cited by Labcorp Genetics (formerly Invitae), Labcorp).

NM_000094.4(COL7A1):c.4341+6A>G

Gene: COL7A1 (collagen type VII alpha 1 chain; minus strand). Cytogenetic location: 3p21.31.
Variant type: single nucleotide variant.
Coding change: c.4341+6A>G on transcript NM_000094.4 (MANE Select); 6 bases into the intron after coding-DNA position 4341, A replaced by G.
Molecular consequence: intron variant.
Genome position (GRCh38, 1-based): chr3:48,583,712, T>C on the plus strand (A>G on the coding strand, the complement: COL7A1 is on the minus strand). VCF-style: chr3-48583712-T-C. GRCh37 (hg19) VCF-style: chr3-48621145-T-C.
Other names: c.4341+6A>G (NM_000094.3).
Identifiers: ClinVar variation 2005815 (VCV002005815.6), dbSNP rs2531150656, ClinGen allele CA2580070064.